The following is an entry in ClinVar:

NM_001136049.3(LMLN):c.1093G>T (p.Gly365Cys)

Gene: LMLN (leishmanolysin like peptidase; plus strand). Cytogenetic location: 3q29.
Variant type: single nucleotide variant.
Coding change: c.1093G>T on transcript NM_001136049.3 (MANE Select); coding-DNA position 1093, G replaced by T.
Protein change: p.Gly365Cys; replaces glycine 365 with cysteine.
Molecular consequence: missense variant. On other transcripts: non-coding transcript variant (2).
Genome position (GRCh38, 1-based): chr3:197,996,244, G>T. VCF-style: chr3-197996244-G-T. GRCh37 (hg19) VCF-style: chr3-197723115-G-T.
Other names: c.1093G>T, p.Gly365Cys (NM_033029.4); short protein forms G373C, G365C.
Identifiers: ClinVar variation 161526 (VCV000161526.3), dbSNP rs193920933, ClinGen allele CA174267.

ClinVar aggregate classification (germline): Uncertain significance (0 of 4 stars; one submission).

Conditions:
Prostate cancer. Also called: Malignant tumor of prostate. Identifiers: Orphanet 1331, MedGen C0376358, MONDO:0008315, HP:0012125.

Allele frequency attached by ClinVar (database versions not stated): TOPMed 0.00001.
gnomAD v4.1: 1 of 1,604,808 alleles (0.000062%); highest among the groups gnomAD compares: East Asian, 0.0023%; no homozygotes.

Submission:

Science for Life laboratory,  Karolinska Institutet
Classification: Uncertain significance for Malignant tumor of prostate. Review status: no assertion criteria provided. Collection method: not provided. Allele origin: somatic.
Comment: TumorID:SWE-19
ClinVar note: Converted during submission from Unknown to Uncertain significance.